The following is an entry in ClinVar:

ClinVar aggregate classification (germline): Uncertain significance (1 of 4 stars; one submission).

Conditions:
Developmental and epileptic encephalopathy, 42 (DEE42A). Also called: DEVELOPMENTAL AND EPILEPTIC ENCEPHALOPATHY 42A; EPILEPTIC ENCEPHALOPATHY, EARLY INFANTILE, 42A; Epileptic encephalopathy, early infantile, 42. Identifiers: MedGen C4310716, MONDO:0014917, OMIM 617106.

Submission:

Institute of Human Genetics, University of Leipzig Medical Center
Classification: Uncertain significance for Developmental and epileptic encephalopathy, 42. Last evaluated: 2024-07-08. Review status: criteria provided, single submitter. Criteria: ACMG Guidelines, 2015. Collection method: clinical testing. Allele origin: paternal. Inheritance: Autosomal dominant inheritance. Affected: yes.
Comment: Criteria applied: PP2,PM2,PP3

NM_001127222.2(CACNA1A):c.3881A>T (p.Lys1294Met)

Gene: CACNA1A (calcium voltage-gated channel subunit alpha1 A; minus strand). Cytogenetic location: 19p13.13.
Variant type: single nucleotide variant.
Coding change: c.3881A>T on transcript NM_001127222.2 (MANE Select); coding-DNA position 3881, A replaced by T.
Protein change: p.Lys1294Met; replaces lysine 1294 with methionine.
Molecular consequence: missense variant.
Genome position (GRCh38, 1-based): chr19:13,277,070, T>A on the plus strand (A>T on the coding strand, the complement: CACNA1A is on the minus strand). VCF-style: chr19-13277070-T-A. GRCh37 (hg19) VCF-style: chr19-13387884-T-A.
Other names: c.3893A>T, p.Lys1298Met (NM_000068.4, NM_023035.3); c.3884A>T, p.Lys1295Met (NM_001127221.2, NM_001174080.2); short protein forms K1294M, K1295M, K1298M.
Identifiers: ClinVar variation 3359069 (VCV003359069.2).